The following is an entry in ClinVar:

NM_207122.2(EXT2):c.1193C>T (p.Ala398Val)

Gene: EXT2 (exostosin glycosyltransferase 2; plus strand). Cytogenetic location: 11p11.2.
Variant type: single nucleotide variant.
Coding change: c.1193C>T on transcript NM_207122.2 (MANE Select); coding-DNA position 1193, C replaced by T.
Protein change: p.Ala398Val; replaces alanine 398 with valine.
Molecular consequence: missense variant. On other transcripts: intron variant (1).
Genome position (GRCh38, 1-based): chr11:44,171,630, C>T. VCF-style: chr11-44171630-C-T. GRCh37 (hg19) VCF-style: chr11-44193180-C-T.
Other names: c.1292C>T, p.Ala431Val (NM_000401.3); c.1193C>T, p.Ala398Val (NM_001389628.1, NM_001389630.1); c.1267-44C>T (NM_001178083.3); short protein forms A398V, A431V.
Identifiers: ClinVar variation 4738322 (VCV004738322.1).
Genomic context (GRCh38, chr11:44,171,630, plus strand): 5'-GTCTCGCTTGCTCACTTAAAACAGCATTATTTTCTTTATAGGCCCGGTGGTTCTGGGAAG[C>T]GTACTTCCAGTCAATTAAAGCCATTGCCCTGGCCACCCTGCAGATTATCAATGACCGGAT-3'
Protein context (NP_997005.1, residues 388-408): MQRQARWFWE[Ala398Val]YFQSIKAIAL

ClinVar aggregate classification (germline): Uncertain significance (1 of 4 stars; one submission).

Conditions:
Exostoses, multiple, type 2 (EXT2). Also called: Hereditary Multiple Osteochondromatosis, Type II; EXOSTOSES, MULTIPLE, TYPE II. Identifiers: Orphanet 321, MedGen C1851413, MONDO:0007586, OMIM 133701.

gnomAD v4.1: 16 of 1,613,966 alleles (0.00099%); highest among the groups gnomAD compares: South Asian, 0.0077%; no homozygotes.

Submission:

Labcorp Genetics (formerly Invitae), Labcorp
Classification: Uncertain significance for Exostoses, multiple, type 2. Last evaluated: 2025-02-04. Review status: criteria provided, single submitter. Criteria: Invitae Variant Classification Sherloc (09022015). Collection method: clinical testing. Allele origin: germline.
Comment: This sequence change replaces alanine, which is neutral and non-polar, with valine, which is neutral and non-polar, at codon 398 of the EXT2 protein (p.Ala398Val). This variant is present in population databases (rs770136018, gnomAD 0.007%). This variant has not been reported in the literature in individuals affected with EXT2-related conditions. Invitae Evidence Modeling of protein sequence and biophysical properties (such as structural, functional, and spatial information, amino acid conservation, physicochemical variation, residue mobility, and thermodynamic stability) has been performed for this missense variant. However, the output from this modeling did not meet the statistical confidence thresholds required to predict the impact of this variant on EXT2 protein function. In summary, the available evidence is currently insufficient to determine the role of this variant in disease. Therefore, it has been classified as a Variant of Uncertain Significance.